The following is an entry in ClinVar:

NM_000282.4(PCCA):c.638-2A>G

Gene: PCCA (propionyl-CoA carboxylase subunit alpha; plus strand). Cytogenetic location: 13q32.3.
Variant type: single nucleotide variant.
Coding change: c.638-2A>G on transcript NM_000282.4 (MANE Select); the canonical splice acceptor site of the intron before coding-DNA position 638, A replaced by G.
Molecular consequence: splice acceptor variant. On other transcripts: intron variant (3).
Genome position (GRCh38, 1-based): chr13:100,257,593, A>G. VCF-style: chr13-100257593-A-G. GRCh37 (hg19) VCF-style: chr13-100909847-A-G.
Other names: c.638-2A>G (NM_001178004.2, NM_001352605.2, NM_001352606.2 and 1 more transcripts); c.-229-5136A>G (NM_001352610.2, NM_001352611.2, NM_001352612.2); c.560-2A>G (NM_001127692.3, NM_001352607.2, NM_001352608.2).
Identifiers: ClinVar variation 2798591 (VCV002798591.5), dbSNP rs2547899469, ClinGen allele CA388694027.

ClinVar aggregate classification (germline): Likely pathogenic. Review status: criteria provided, multiple submitters, no conflicts (2 of 4 stars). 3 submissions from 3 submitters: Likely pathogenic (3). Last evaluated 2024-01-19.

Conditions:
Propionic acidemia (PROP). Also called: GLYCINEMIA, KETOTIC; HYPERGLYCINEMIA WITH KETOACIDOSIS AND LEUKOPENIA; KETOTIC HYPERGLYCINEMIA. Identifiers: Orphanet 35, MedGen C0268579, MONDO:0011628, OMIM 606054, HP:0003571.

Allele frequency attached by ClinVar (database versions not stated): gnomAD exomes below 0.00001.
gnomAD v4.1: 3 of 1,611,534 alleles (0.00019%); highest among the groups gnomAD compares: Non-Finnish European, 0.00025%; no homozygotes.

Submissions (3):

Fulgent Genetics
Classification: Likely pathogenic for Propionic acidemia. Last evaluated: 2024-01-19. Review status: criteria provided, single submitter. Criteria: ACMG Guidelines, 2015. Collection method: clinical testing. Allele origin: germline.

Baylor Genetics
Classification: Likely pathogenic for Propionic acidemia. Last evaluated: 2023-12-05. Review status: criteria provided, single submitter. Criteria: ACMG Guidelines, 2015. Collection method: clinical testing. Allele origin: unknown.

Labcorp Genetics (formerly Invitae), Labcorp
Classification: Likely pathogenic for Propionic acidemia. Last evaluated: 2023-11-14. Review status: criteria provided, single submitter. Criteria: Invitae Variant Classification Sherloc (09022015). Collection method: clinical testing. Allele origin: germline.
Comment: This sequence change affects an acceptor splice site in intron 8 of the PCCA gene. It is expected to disrupt RNA splicing. Variants that disrupt the donor or acceptor splice site typically lead to a loss of protein function (PMID: 16199547), and loss-of-function variants in PCCA are known to be pathogenic (PMID: 15464417). This variant is not present in population databases (gnomAD no frequency). This variant has not been reported in the literature in individuals affected with PCCA-related conditions. Algorithms developed to predict the effect of sequence changes on RNA splicing suggest that this variant may disrupt the consensus splice site. In summary, the currently available evidence indicates that the variant is pathogenic, but additional data are needed to prove that conclusively. Therefore, this variant has been classified as Likely Pathogenic.

Literature cited by the submitters: PubMed 16199547 (cited by Labcorp Genetics (formerly Invitae), Labcorp); PubMed 15464417 (cited by Labcorp Genetics (formerly Invitae), Labcorp).